The following is an entry in ClinVar:

NM_006231.4(POLE):c.2602C>T (p.Leu868=)

Gene: POLE (DNA polymerase epsilon, catalytic subunit; minus strand). Cytogenetic location: 12q24.33.
Variant type: single nucleotide variant.
Coding change: c.2602C>T on transcript NM_006231.4 (MANE Select); coding-DNA position 2602, C replaced by T.
Protein change: p.Leu868=; no amino-acid change (leucine 868 retained).
Molecular consequence: synonymous variant.
Genome position (GRCh38, 1-based): chr12:132,664,108, G>A on the plus strand (C>T on the coding strand, the complement: POLE is on the minus strand). VCF-style: chr12-132664108-G-A. GRCh37 (hg19) VCF-style: chr12-133240694-G-A.
Identifiers: ClinVar variation 240437 (VCV000240437.25), dbSNP rs115830215, ClinGen allele CA6893489.

ClinVar aggregate classification (germline): Benign/Likely benign. Review status: criteria provided, multiple submitters, no conflicts (2 of 4 stars). 8 submissions from 8 submitters: Benign (3); Likely benign (4). 1 of the submissions does not count toward it. Last evaluated 2026-01-19.

Conditions:
Hereditary cancer. Identifiers: MedGen C1333600.
POLE-related disorder. Also called: POLE-related disorders; POLE-related condition.
Colorectal cancer, susceptibility to, 12 (CRCS12). Also called: COLORECTAL CANCER, SUSCEPTIBILITY TO, ON CHROMOSOME 12q24. Identifiers: Orphanet 220460, MedGen C3554460, MONDO:0014038, OMIM 615083.
Hereditary cancer-predisposing syndrome. Also called: Neoplastic Syndromes, Hereditary; Hereditary Cancer Syndrome; Tumor predisposition; Hereditary neoplastic syndrome. Identifiers: Orphanet 140162, MedGen C0027672, MeSH D009386, MONDO:0015356.

Allele frequency attached by ClinVar (database versions not stated): gnomAD exomes 0.00004 and 0.00007; ExAC 0.00009; 1000 Genomes Project 30x 0.00016; 1000 Genomes Project 0.00020; ESP Exome Variant Server 0.00023; gnomAD 0.00033 and 0.00035; TOPMed 0.00038.
gnomAD v4.1: 116 of 1,614,172 alleles (0.0072%); highest among the groups gnomAD compares: African/African-American, 0.13%; 1 homozygote.

Submissions (8):

Labcorp Genetics (formerly Invitae), Labcorp
Classification: Benign. Last evaluated: 2026-01-19. Review status: criteria provided, single submitter. Criteria: Invitae Variant Classification Sherloc (09022015). Collection method: clinical testing. Allele origin: germline.

Blueprint Genetics
Classification: Likely benign. Last evaluated: 2024-10-16. Review status: criteria provided, single submitter. Criteria: ACMG Guidelines, 2015. Collection method: clinical testing. Allele origin: germline.

Mendelics
Classification: Likely benign for Hereditary cancer. Last evaluated: 2024-09-11. Review status: criteria provided, single submitter. Criteria: ACMG Guidelines, 2015. Collection method: clinical testing. Allele origin: unknown.
Comment: This variant is considered likely benign or benign based on one or more of the following: it is predicted to be benign by multiple in silico algorithms, and/or has population frequency not consistent with disease, and/or has normal protein function, and/or has lack of segregation with disease, and/or has been detected in co-occurrence with known pathogenic variant, and/or has lack of disease association in case-control studies, and/or is located in a region inconsistent with a known cause of pathogenicity.

KCCC/NGS Laboratory, Kuwait Cancer Control Center
Classification: Benign for Colorectal cancer, susceptibility to, 12. Last evaluated: 2023-07-07. Review status: criteria provided, single submitter. Criteria: ACMG Guidelines, 2015. Collection method: clinical testing. Allele origin: germline. Affected: yes.

GeneDx
Classification: Likely benign. Last evaluated: 2021-04-15. Review status: criteria provided, single submitter. Criteria: GeneDx Variant Classification Process June 2021. Collection method: clinical testing. Allele origin: germline. Affected: yes.

Quest Diagnostics Nichols Institute San Juan Capistrano
Classification: Benign. Last evaluated: 2018-07-10. Review status: criteria provided, single submitter. Criteria: Quest Diagnostics criteria. Collection method: clinical testing. Allele origin: unknown.

Ambry Genetics
Classification: Likely benign for Hereditary cancer-predisposing syndrome. Last evaluated: 2015-06-28. Review status: criteria provided, single submitter. Criteria: Ambry Variant Classification Scheme 2023. Collection method: clinical testing. Allele origin: germline.

PreventionGenetics, part of Exact Sciences
Classification: Likely benign for POLE-related condition. Last evaluated: 2019-06-12. Review status: no assertion criteria provided. Collection method: clinical testing. Allele origin: germline. Not counted in ClinVar's aggregate classification.
Comment: This variant is classified as likely benign based on ACMG/AMP sequence variant interpretation guidelines (Richards et al. 2015 PMID: 25741868, with internal and published modifications).